The following is an entry in ClinVar:

ClinVar aggregate classification (germline): Uncertain significance. Review status: criteria provided, multiple submitters, no conflicts (2 of 4 stars). 3 submissions from 3 submitters: Uncertain significance (3). Last evaluated 2024-09-04.

Conditions:
Inborn genetic diseases. Identifiers: MedGen C0950123, MeSH D030342.
Spastic paraplegia. Identifiers: MedGen C0037772, HP:0001258.

Allele frequency attached by ClinVar (database versions not stated): gnomAD exomes below 0.00001; TOPMed below 0.00001; gnomAD 0.00001.
gnomAD v4.1: 2 of 1,207,564 alleles (0.00017%); highest among the groups gnomAD compares: African/African-American, 0.0035%; no homozygotes.

Submissions (3):

GeneDx
Classification: Uncertain significance. Last evaluated: 2024-09-04. Review status: criteria provided, single submitter. Criteria: GeneDx Variant Classification Process June 2021. Collection method: clinical testing. Allele origin: germline. Affected: yes.
Comment: Not observed at significant frequency in large population cohorts (gnomAD); In silico analysis supports that this missense variant has a deleterious effect on protein structure/function; Has not been previously published as pathogenic or benign to our knowledge; This variant is associated with the following publications: (PMID: 25641508)

Labcorp Genetics (formerly Invitae), Labcorp
Classification: Uncertain significance for Spastic paraplegia. Last evaluated: 2023-07-24. Review status: criteria provided, single submitter. Criteria: Invitae Variant Classification Sherloc (09022015). Collection method: clinical testing. Allele origin: germline.
Comment: This sequence change replaces serine, which is neutral and polar, with proline, which is neutral and non-polar, at codon 807 of the L1CAM protein (p.Ser807Pro). This variant is not present in population databases (gnomAD no frequency). This variant has not been reported in the literature in individuals affected with L1CAM-related conditions. ClinVar contains an entry for this variant (Variation ID: 2561208). Advanced modeling of protein sequence and biophysical properties (such as structural, functional, and spatial information, amino acid conservation, physicochemical variation, residue mobility, and thermodynamic stability) has been performed at Invitae for this missense variant, however the output from this modeling did not meet the statistical confidence thresholds required to predict the impact of this variant on L1CAM protein function. In summary, the available evidence is currently insufficient to determine the role of this variant in disease. Therefore, it has been classified as a Variant of Uncertain Significance.

Ambry Genetics
Classification: Uncertain significance for Inborn genetic diseases. Last evaluated: 2023-03-17. Review status: criteria provided, single submitter. Criteria: Ambry Variant Classification Scheme 2023. Collection method: clinical testing. Allele origin: germline.

NM_001278116.2(L1CAM):c.2419T>C (p.Ser807Pro)

Gene: L1CAM (L1 cell adhesion molecule; minus strand). Cytogenetic location: Xq28.
Variant type: single nucleotide variant.
Coding change: c.2419T>C on transcript NM_001278116.2 (MANE Select); coding-DNA position 2419, T replaced by C.
Protein change: p.Ser807Pro; replaces serine 807 with proline.
Molecular consequence: missense variant.
Genome position (GRCh38, 1-based): chrX:153,866,661, A>G on the plus strand (T>C on the coding strand, the complement: L1CAM is on the minus strand). VCF-style: chrX-153866661-A-G. GRCh37 (hg19) VCF-style: chrX-153132116-A-G.
Other names: c.2419T>C, p.Ser807Pro (NM_000425.5, NM_024003.3); c.2404T>C, p.Ser802Pro (NM_001143963.2); short protein forms S802P, S807P.
Identifiers: ClinVar variation 2561208 (VCV002561208.6), dbSNP rs2064716032, ClinGen allele CA415118155.